The following is an entry in ClinVar:

NM_002053.3(GBP1):c.398C>T (p.Thr133Ile)

Gene: GBP1 (guanylate binding protein 1; minus strand). Cytogenetic location: 1p22.2.
Variant type: single nucleotide variant.
Coding change: c.398C>T on transcript NM_002053.3 (MANE Select); coding-DNA position 398, C replaced by T.
Protein change: p.Thr133Ile; replaces threonine 133 with isoleucine.
Molecular consequence: missense variant.
Genome position (GRCh38, 1-based): chr1:89,059,347, G>A on the plus strand (C>T on the coding strand, the complement: GBP1 is on the minus strand). VCF-style: chr1-89059347-G-A. GRCh37 (hg19) VCF-style: chr1-89525030-G-A.
Other names: short protein forms T133I.
Identifiers: ClinVar variation 3772136 (VCV003772136.13).
Genomic context (GRCh38, chr1:89,059,347, plus strand): 5'-TTGGTGCTGTTCTGGGTCACAAAAGGATACTACAGTTGGTCCATAGCCTGCTGGTTGATG[G>A]TTCCTATGCTATTGTACACGAAGGTGCTGCTCAGGAGGACGGCCAGGGCGAAGATCCAGG-3'
Protein context (NP_002044.2, residues 123-143): SSTFVYNSIG[Thr133Ile]INQQAMDQLY

ClinVar aggregate classification (germline): Uncertain significance (1 of 4 stars; one submission).

Submission:

CeGaT Center for Human Genetics Tuebingen
Classification: Uncertain significance. Last evaluated: 2024-12-01. Review status: criteria provided, single submitter. Criteria: CeGaT Center For Human Genetics Tuebingen Variant Classification Criteria Version 2. Collection method: clinical testing. Allele origin: germline. Affected: yes. Observed: 1 variant allele.
Comment: GBP1: PM2